The following is an entry in ClinVar:

ClinVar aggregate classification (germline): Benign/Likely benign. Review status: criteria provided, multiple submitters, no conflicts (2 of 4 stars). 10 submissions from 10 submitters: Benign (3); Likely benign (6). 1 of the submissions does not count toward it. Last evaluated 2026-07-13.

Conditions:
SMARCA4-related disorder. Also called: SMARCA4-related condition.
Coffin-Siris syndrome. Identifiers: Orphanet 1465, MedGen C0265338, MONDO:0015452.
Hereditary cancer-predisposing syndrome. Also called: Hereditary Cancer Syndrome; Tumor predisposition; Hereditary neoplastic syndrome; Neoplastic Syndromes, Hereditary. Identifiers: Orphanet 140162, MedGen C0027672, MeSH D009386, MONDO:0015356.
Intellectual disability, autosomal dominant 16 (CSS4). Also called: COFFIN-SIRIS SYNDROME 4. Identifiers: Orphanet 1465, MedGen C3553249, MONDO:0013821, OMIM 614609.
Rhabdoid tumor predisposition syndrome 2 (RTPS2). Identifiers: Orphanet 231108, Orphanet 69077, MedGen C2750074, MONDO:0013224, OMIM 613325.

Allele frequency attached by ClinVar (database versions not stated): gnomAD 0.00010; 1000 Genomes Project 0.00020; 1000 Genomes Project 30x 0.00016.
gnomAD v4.1: 193 of 1,613,430 alleles (0.012%); highest among the groups gnomAD compares: Non-Finnish European, 0.014%; no homozygotes.

Submissions (10):

Myriad Genetics, Inc.
Classification: Benign for Rhabdoid tumor predisposition syndrome 2. Last evaluated: 2026-07-13. Review status: criteria provided, single submitter. Criteria: Myriad Autosomal Dominant, Autosomal Recessive and X-Linked Classification Criteria (2023). Collection method: clinical testing. Allele origin: unknown.
Comment: This variant is considered benign. This variant is a silent/synonymous amino acid change and it is not expected to impact splicing.

Labcorp Genetics (formerly Invitae), Labcorp
Classification: Likely benign for Rhabdoid tumor predisposition syndrome 2. Last evaluated: 2026-02-03. Review status: criteria provided, single submitter. Criteria: Invitae Variant Classification Sherloc (09022015). Collection method: clinical testing. Allele origin: germline.

Blueprint Genetics
Classification: Likely benign. Last evaluated: 2024-07-03. Review status: criteria provided, single submitter. Criteria: ACMG Guidelines, 2015. Collection method: clinical testing. Allele origin: germline.

CeGaT Center for Human Genetics Tuebingen
Classification: Likely benign. Last evaluated: 2024-02-01. Review status: criteria provided, single submitter. Criteria: CeGaT Center For Human Genetics Tuebingen Variant Classification Criteria Version 2. Collection method: clinical testing. Allele origin: germline. Affected: yes. Observed: 2 variant alleles.
Comment: SMARCA4: BP4, BP7

Sema4
Classification: Benign for Hereditary cancer-predisposing syndrome. Last evaluated: 2021-11-16. Review status: criteria provided, single submitter. Criteria: Sema4 Curation Guidelines. Collection method: curation. Allele origin: germline.

Genome-Nilou Lab
Classification: Likely benign for Intellectual disability, autosomal dominant 16. Last evaluated: 2021-07-15. Review status: criteria provided, single submitter. Criteria: ACMG Guidelines, 2015. Collection method: clinical testing. Allele origin: germline. Affected: no.

GeneDx
Classification: Likely benign. Last evaluated: 2019-07-22. Review status: criteria provided, single submitter. Criteria: GeneDx Variant Classification Process June 2021. Collection method: clinical testing. Allele origin: germline. Affected: yes.

Illumina Laboratory Services, Illumina
Classification: Benign for Coffin-Siris syndrome. Last evaluated: 2018-01-13. Review status: criteria provided, single submitter. Criteria: ICSL Variant Classification Criteria 13 December 2019. Collection method: clinical testing. Allele origin: germline.
Comment: This variant was observed in the ICSL laboratory as part of a predisposition screen in an ostensibly healthy population. It had not been previously curated by ICSL or reported in the Human Gene Mutation Database (HGMD: prior to June 1st, 2018), and was therefore a candidate for classification through an automated scoring system. Utilizing variant allele frequency, disease prevalence and penetrance estimates, and inheritance mode, an automated score was calculated to assess if this variant is too frequent to cause the disease. Based on the score and internal cut-off values, a variant classified as benign is not then subjected to further curation. The score for this variant resulted in a classification of benign for this disease.

Ambry Genetics
Classification: Likely benign for Hereditary cancer-predisposing syndrome. Last evaluated: 2015-08-07. Review status: criteria provided, single submitter. Criteria: Ambry Variant Classification Scheme 2023. Collection method: clinical testing. Allele origin: germline.

PreventionGenetics, part of Exact Sciences
Classification: Likely benign for SMARCA4-related condition. Last evaluated: 2021-12-10. Review status: no assertion criteria provided. Collection method: clinical testing. Allele origin: germline. Not counted in ClinVar's aggregate classification.
Comment: This variant is classified as likely benign based on ACMG/AMP sequence variant interpretation guidelines (Richards et al. 2015 PMID: 25741868, with internal and published modifications).

NM_003072.5(SMARCA4):c.2022G>T (p.Pro674=)

Gene: SMARCA4 (SWI/SNF related BAF chromatin remodeling complex subunit ATPase 4; plus strand). Cytogenetic location: 19p13.2.
Variant type: single nucleotide variant.
Coding change: c.2022G>T on transcript NM_003072.5 (MANE Select); coding-DNA position 2022, G replaced by T.
Protein change: p.Pro674=; no amino-acid change (proline 674 retained).
Molecular consequence: synonymous variant. On other transcripts: non-coding transcript variant (1).
Genome position (GRCh38, 1-based): chr19:11,007,922, G>T. VCF-style: chr19-11007922-G-T. GRCh37 (hg19) VCF-style: chr19-11118598-G-T.
Other names: c.2022G>T, p.Pro674= (NM_001128844.3, NM_001128845.2, NM_001128846.2 and 5 more transcripts).
Identifiers: ClinVar variation 220892 (VCV000220892.49), dbSNP rs539865173, ClinGen allele CA349737.
Genomic context (GRCh38, chr19:11,007,922, plus strand): 5'-GGGGGATGAACTGAGGTGACATGGGCTTGTCTCTTGGTAGGAGGAGGAGGAAGAGCAGCC[G>T]CAGGCAGCACAGCCTCCCACCCTGCCCGTGGAGGAGAAGAAGAAGATTCCAGATCCAGAC-3'
Protein context (NP_003063.2, residues 664-684): EEEEEEEEEQ[Pro674=]QAAQPPTLPV